The following is an entry in ClinVar:

ClinVar aggregate classification (germline): Uncertain significance (1 of 4 stars; one submission).

Conditions:
STT3A-congenital disorder of glycosylation. Also called: Congenital disorder of glycosylation type 1w; CONGENITAL DISORDER OF GLYCOSYLATION, TYPE Iw, AUTOSOMAL RECESSIVE; STT3A-CDG. Identifiers: Orphanet 370921, MedGen C5561935, MONDO:0014270, OMIM 615596.

Submission:

Baylor Genetics
Classification: Uncertain significance for STT3A-congenital disorder of glycosylation. Last evaluated: 2019-09-19. Review status: criteria provided, single submitter. Criteria: ACMG Guidelines, 2015. Collection method: clinical testing. Allele origin: unknown. Affected: yes.
Comment: This variant was determined to be of uncertain significance according to ACMG Guidelines, 2015 [PMID:25741868].

NM_152713.5(STT3A):c.415A>C (p.Lys139Gln)

Gene: STT3A (STT3 oligosaccharyltransferase complex catalytic subunit A; plus strand). Cytogenetic location: 11q24.2.
Variant type: single nucleotide variant.
Coding change: c.415A>C on transcript NM_152713.5 (MANE Select); coding-DNA position 415, A replaced by C.
Protein change: p.Lys139Gln; replaces lysine 139 with glutamine.
Molecular consequence: missense variant.
Genome position (GRCh38, 1-based): chr11:125,602,946, A>C. VCF-style: chr11-125602946-A-C. GRCh37 (hg19) VCF-style: chr11-125472841-A-C.
Other names: c.415A>C, p.Lys139Gln (NM_001278503.2); c.139A>C, p.Lys47Gln (NM_001278504.2); short protein forms K139Q, K47Q.
Identifiers: ClinVar variation 1027877 (VCV001027877.1), dbSNP rs1939729667, ClinGen allele CA383183573.